The following is an entry in ClinVar:

ClinVar aggregate classification (germline): Uncertain significance (1 of 4 stars; one submission).

Conditions:
Hereditary pancreatitis (PCTT). Also called: PRSS1-Related Hereditary Pancreatitis; Hereditary chronic pancreatitis. Identifiers: Orphanet 676, MedGen C0238339, MONDO:0008185, OMIM 167800.

Submission:

Labcorp Genetics (formerly Invitae), Labcorp
Classification: Uncertain significance for Hereditary pancreatitis. Last evaluated: 2022-12-30. Review status: criteria provided, single submitter. Criteria: Invitae Variant Classification Sherloc (09022015). Collection method: clinical testing. Allele origin: unknown.
Comment: In summary, the available evidence is currently insufficient to determine the role of this variant in disease. Therefore, it has been classified as a Variant of Uncertain Significance. Experimental studies and prediction algorithms are not available or were not evaluated, and the functional significance of this variant is currently unknown. This variant has not been reported in the literature in individuals affected with PRSS1-related conditions. This variant results in a copy number gain of the genomic region encompassing exon(s) 3-4 of the PRSS1 gene. While the exact position of this variant cannot be determined from the data, sub-genic copy number gains are generally in tandem (PMID: 25640679). This variant is predicted to be out-of-frame, and may result in an absent or disrupted protein product. However, the current clinical and genetic evidence is not sufficient to establish whether loss-of-function variants in PRSS1 cause disease.

Literature cited by the submitters: PubMed 25640679.

NC_000007.13:g.(?_142459605)_(142460438_?)dup

Genes: PRSS1 (serine protease 1; plus strand), TRB (T cell receptor beta locus; plus strand). Cytogenetic location: 7q34.
Variant type: Duplication.
Identifiers: ClinVar variation 3245715 (VCV003245715.1).